The following is an entry in ClinVar:

NM_006734.4(HIVEP2):c.6964C>T (p.Gln2322Ter)

Gene: HIVEP2 (HIVEP zinc finger 2; minus strand). Cytogenetic location: 6q24.2.
Variant type: single nucleotide variant.
Coding change: c.6964C>T on transcript NM_006734.4 (MANE Select); coding-DNA position 6964, C replaced by T.
Protein change: p.Gln2322Ter; replaces glutamine 2322 with a stop codon.
Molecular consequence: nonsense.
Genome position (GRCh38, 1-based): chr6:142,753,484, G>A on the plus strand (C>T on the coding strand, the complement: HIVEP2 is on the minus strand). VCF-style: chr6-142753484-G-A. GRCh37 (hg19) VCF-style: chr6-143074621-G-A.
Other names: short protein forms Q2322*.
Identifiers: ClinVar variation 520986 (VCV000520986.4), dbSNP rs1554274371, ClinGen allele CA365941355.

ClinVar aggregate classification (germline): Pathogenic (1 of 4 stars; one submission).

Conditions:
Intellectual developmental disorder, autosomal dominant 43. Also called: Intellectual disability, autosomal dominant 43. Identifiers: MedGen C4707429, MONDO:0014858, OMIM 616977.
Inborn genetic diseases. Identifiers: MedGen C0950123, MeSH D030342.

Submission:

Ambry Genetics
Classification: Pathogenic for Inborn genetic diseases. Last evaluated: 2016-03-11. Review status: criteria provided, single submitter. Criteria: Ambry exome assertion method (8-5-2015). Collection method: clinical testing. Allele origin: germline. Affected: yes. Observed: 1 variant allele.